The following is an entry in ClinVar:

ClinVar aggregate classification (germline): Likely benign. Review status: criteria provided, multiple submitters, no conflicts (2 of 4 stars). 5 submissions from 5 submitters: Likely benign (4). 1 of the submissions does not count toward it. Last evaluated 2026-04-01.

Conditions:
Fanconi anemia (FA). Also called: Fanconi's anemia. Identifiers: Orphanet 84, MedGen C0015625, MeSH D005199, MONDO:0019391.
Fanconi anemia complementation group P. Also called: SLX4-Related Fanconi Anemia. Identifiers: Orphanet 84, MedGen C3469542, MONDO:0013499, OMIM 613951.

Allele frequency attached by ClinVar (database versions not stated): gnomAD exomes 0.00007 and 0.00009; gnomAD 0.00009; ExAC 0.00012; 1000 Genomes Project 30x 0.00016; TOPMed 0.00018; 1000 Genomes Project 0.00020.
gnomAD v4.1: 115 of 1,604,154 alleles (0.0072%); highest among the groups gnomAD compares: African/African-American, 0.015%; no homozygotes.

Submissions (5):

CeGaT Center for Human Genetics Tuebingen
Classification: Likely benign. Last evaluated: 2026-04-01. Review status: criteria provided, single submitter. Criteria: CeGaT Center For Human Genetics Tuebingen Variant Classification Criteria Version 2. Collection method: clinical testing. Allele origin: germline. Affected: yes. Observed: 1 variant allele.
Comment: SLX4: BP4, BP7

Labcorp Genetics (formerly Invitae), Labcorp
Classification: Likely benign for Fanconi anemia. Last evaluated: 2025-10-04. Review status: criteria provided, single submitter. Criteria: Invitae Variant Classification Sherloc (09022015). Collection method: clinical testing. Allele origin: germline.

Blueprint Genetics
Classification: Likely benign. Last evaluated: 2024-05-30. Review status: criteria provided, single submitter. Criteria: ACMG Guidelines, 2015. Collection method: clinical testing. Allele origin: germline.

Fulgent Genetics
Classification: Likely benign for Fanconi anemia complementation group P. Last evaluated: 2021-12-12. Review status: criteria provided, single submitter. Criteria: ACMG Guidelines, 2015. Collection method: clinical testing. Allele origin: unknown.

Leiden Open Variation Database
Classification: Likely benign. Last evaluated: 2012-08-31. Review status: no assertion criteria provided. Collection method: curation. Allele origin: germline. Affected: yes. Not counted in ClinVar's aggregate classification.
Comment: Curator: Arleen D. Auerbach. Submitter to LOVD: Janine Bakker.

Literature cited by the submitters: PubMed 22911665 (cited by Leiden Open Variation Database).

NM_032444.4(SLX4):c.1641G>A (p.Thr547=)

Gene: SLX4 (SLX4 structure-specific endonuclease subunit; minus strand). Cytogenetic location: 16p13.3.
Variant type: single nucleotide variant.
Coding change: c.1641G>A on transcript NM_032444.4 (MANE Select); coding-DNA position 1641, G replaced by A.
Protein change: p.Thr547=; no amino-acid change (threonine 547 retained).
Molecular consequence: synonymous variant.
Genome position (GRCh38, 1-based): chr16:3,597,421, C>T on the plus strand (G>A on the coding strand, the complement: SLX4 is on the minus strand). VCF-style: chr16-3597421-C-T. GRCh37 (hg19) VCF-style: chr16-3647422-C-T.
Identifiers: ClinVar variation 700333 (VCV000700333.14), dbSNP rs200497436, ClinGen allele CA7866465.